The following is an entry in ClinVar:

NM_001035.3(RYR2):c.10689G>A (p.Gln3563=)

Gene: RYR2 (ryanodine receptor 2; plus strand). Cytogenetic location: 1q43.
Variant type: single nucleotide variant.
Coding change: c.10689G>A on transcript NM_001035.3 (MANE Select); coding-DNA position 10689, G replaced by A.
Protein change: p.Gln3563=; no amino-acid change (glutamine 3563 retained).
Molecular consequence: synonymous variant.
Genome position (GRCh38, 1-based): chr1:237,723,262, G>A. VCF-style: chr1-237723262-G-A. GRCh37 (hg19) VCF-style: chr1-237886562-G-A.
Identifiers: ClinVar variation 3719613 (VCV003719613.2).

ClinVar aggregate classification (germline): Uncertain significance (1 of 4 stars; one submission).

Conditions:
Catecholaminergic polymorphic ventricular tachycardia 1. Also called: VENTRICULAR TACHYCARDIA, STRESS-INDUCED POLYMORPHIC 1; VENTRICULAR TACHYCARDIA, CATECHOLAMINERGIC POLYMORPHIC, 1, WITH OR WITHOUT ATRIAL DYSFUNCTION AND/OR DILATED CARDIOMYOPATHY; RYR2-Related Catecholaminergic Polymorphic Ventricular Tachycardia. Identifiers: Orphanet 3286, MedGen C1631597, MONDO:0011484, OMIM 604772.

Submission:

Labcorp Genetics (formerly Invitae), Labcorp
Classification: Uncertain significance for Catecholaminergic polymorphic ventricular tachycardia 1. Last evaluated: 2024-04-19. Review status: criteria provided, single submitter. Criteria: Invitae Variant Classification Sherloc (09022015). Collection method: clinical testing. Allele origin: germline.
Comment: This sequence change affects codon 3563 of the RYR2 mRNA. It is a 'silent' change, meaning that it does not change the encoded amino acid sequence of the RYR2 protein. This variant also falls at the last nucleotide of exon 74, which is part of the consensus splice site for this exon. This variant is not present in population databases (gnomAD no frequency). This variant has not been reported in the literature in individuals affected with RYR2-related conditions. Variants that disrupt the consensus splice site are a relatively common cause of aberrant splicing (PMID: 17576681, 9536098). Algorithms developed to predict the effect of sequence changes on RNA splicing suggest that this variant may disrupt the consensus splice site. In summary, the available evidence is currently insufficient to determine the role of this variant in disease. Therefore, it has been classified as a Variant of Uncertain Significance.

Literature cited by the submitters: PubMed 17576681; PubMed 9536098.